The following is an entry in ClinVar:

NM_020338.4(ZMIZ1):c.2457G>A (p.Thr819=)

Gene: ZMIZ1 (zinc finger MIZ-type containing 1; plus strand). Cytogenetic location: 10q22.3.
Variant type: single nucleotide variant.
Coding change: c.2457G>A on transcript NM_020338.4 (MANE Select); coding-DNA position 2457, G replaced by A.
Protein change: p.Thr819=; no amino-acid change (threonine 819 retained).
Molecular consequence: synonymous variant.
Genome position (GRCh38, 1-based): chr10:79,306,133, G>A. VCF-style: chr10-79306133-G-A. GRCh37 (hg19) VCF-style: chr10-81065890-G-A.
Identifiers: ClinVar variation 3680113 (VCV003680113.7).
Genomic context (GRCh38, chr10:79,306,133, plus strand): 5'-TCAGCTCTGCCACCCTTCCTCCCCCAGCTCCGAGTTTGAAGAGGTCACCATCGATCCCAC[G>A]TGCAGCTGGCGGCCGGTGCCCATCAAGTCGGACTTACACATCAAGGACGACCCTGATGGC-3'
Protein context (NP_065071.1, residues 809-829): SEFEEVTIDP[Thr819=]CSWRPVPIKS

ClinVar aggregate classification (germline): Likely benign. Review status: criteria provided, multiple submitters, no conflicts (2 of 4 stars). 2 submissions from 2 submitters: Likely benign (2). Last evaluated 2025-12-01.

Submissions (2):

CeGaT Center for Human Genetics Tuebingen
Classification: Likely benign. Last evaluated: 2025-12-01. Review status: criteria provided, single submitter. Criteria: CeGaT Center For Human Genetics Tuebingen Variant Classification Criteria Version 2. Collection method: clinical testing. Allele origin: germline. Affected: yes. Observed: 1 variant allele.
Comment: ZMIZ1: BP4, BP7

Labcorp Genetics (formerly Invitae), Labcorp
Classification: Likely benign. Last evaluated: 2024-06-21. Review status: criteria provided, single submitter. Criteria: Invitae Variant Classification Sherloc (09022015). Collection method: clinical testing. Allele origin: germline.